The following is an entry in ClinVar:

ClinVar aggregate classification (germline): Uncertain significance (1 of 4 stars; one submission).

Submission:

GeneDx
Classification: Uncertain significance. Last evaluated: 2022-01-10. Review status: criteria provided, single submitter. Criteria: GeneDx Variant Classification Process June 2021. Collection method: clinical testing. Allele origin: germline. Affected: yes.
Comment: Not observed at significant frequency in large population cohorts (gnomAD); In silico analysis supports that this missense variant has a deleterious effect on protein structure/function; Has not been previously published as pathogenic or benign to our knowledge

NM_001372044.2(SHANK3):c.3128C>A (p.Ala1043Asp)

Gene: SHANK3 (SH3 and multiple ankyrin repeat domains 3; plus strand). Cytogenetic location: 22q13.33.
Variant type: single nucleotide variant.
Coding change: c.3128C>A on transcript NM_001372044.2 (MANE Select); coding-DNA position 3128, C replaced by A.
Protein change: p.Ala1043Asp; replaces alanine 1043 with aspartic acid.
Molecular consequence: missense variant.
Genome position (GRCh38, 1-based): chr22:50,720,736, C>A. VCF-style: chr22-50720736-C-A. GRCh37 (hg19) VCF-style: chr22-51159164-C-A.
Other names: c.2903C>A (NM_033517.1); short protein forms A1043D.
Identifiers: ClinVar variation 1695680 (VCV001695680.2), dbSNP rs2146829940, ClinGen allele CA515260141.